The following is an entry in ClinVar:

NM_000465.4(BARD1):c.2001+16T>G

Gene: BARD1 (BRCA1 associated RING domain 1; minus strand). Cytogenetic location: 2q35.
Variant type: single nucleotide variant.
Coding change: c.2001+16T>G on transcript NM_000465.4 (MANE Select); 16 bases into the intron after coding-DNA position 2001, T replaced by G.
Molecular consequence: intron variant.
Genome position (GRCh38, 1-based): chr2:214,730,395, A>C on the plus strand (T>G on the coding strand, the complement: BARD1 is on the minus strand). VCF-style: chr2-214730395-A-C. GRCh37 (hg19) VCF-style: chr2-215595119-A-C.
Other names: c.591+16T>G (NM_001282548.2); c.1944+16T>G (NM_001282543.2); c.648+16T>G (NM_001282545.2); c.462+16T>G (NM_001282549.2).
Identifiers: ClinVar variation 2822888 (VCV002822888.3), dbSNP rs1553612452, ClinGen allele CA2662971013.

ClinVar aggregate classification (germline): Uncertain significance (1 of 4 stars; one submission).

Conditions:
Familial cancer of breast. Also called: Hereditary breast cancer; BREAST CANCER, FAMILIAL; hereditary breast carcinoma. Identifiers: Orphanet 227535, MedGen C0346153, MONDO:0016419, OMIM 114480. Disease mechanism: loss of function.

Allele frequency attached by ClinVar (database versions not stated): gnomAD exomes 0.00001.
gnomAD v4.1: 6 of 1,603,016 alleles (0.00037%); highest among the groups gnomAD compares: Non-Finnish European, 0.00051%; no homozygotes.

Submission:

Labcorp Genetics (formerly Invitae), Labcorp
Classification: Uncertain significance for Familial cancer of breast. Last evaluated: 2025-12-10. Review status: criteria provided, single submitter. Criteria: Invitae Variant Classification Sherloc (09022015). Collection method: clinical testing. Allele origin: germline.
Comment: This sequence change falls in intron 10 of the BARD1 gene. It does not directly change the encoded amino acid sequence of the BARD1 protein. This variant is not present in population databases (gnomAD no frequency). This variant has not been reported in the literature in individuals affected with BARD1-related conditions. ClinVar contains an entry for this variant (Variation ID: 2822888). Algorithms developed to predict the effect of sequence changes on RNA splicing suggest that this variant may disrupt the consensus splice site. In summary, the available evidence is currently insufficient to determine the role of this variant in disease. Therefore, it has been classified as a Variant of Uncertain Significance.